The following is an entry in ClinVar:

NM_001042492.3(NF1):c.4804G>T (p.Gly1602Trp)

Gene: NF1 (neurofibromin 1; plus strand). Cytogenetic location: 17q11.2.
Variant type: single nucleotide variant.
Coding change: c.4804G>T on transcript NM_001042492.3 (MANE Select); coding-DNA position 4804, G replaced by T.
Protein change: p.Gly1602Trp; replaces glycine 1602 with tryptophan.
Molecular consequence: missense variant.
Genome position (GRCh38, 1-based): chr17:31,265,308, G>T. VCF-style: chr17-31265308-G-T. GRCh37 (hg19) VCF-style: chr17-29592326-G-T.
Other names: c.4741G>T, p.Gly1581Trp (NM_000267.4); short protein forms G1581W, G1602W.
Identifiers: ClinVar variation 4810977 (VCV004810977.1).

ClinVar aggregate classification (germline): Uncertain significance (1 of 4 stars; one submission).

Conditions:
Neurofibromatosis, type 1 (NF1). Also called: Peripheral type neurofibromatosis; Neurofibromatosis, type I; NEUROFIBROMATOSIS, TYPE I, SOMATIC; VON RECKLINGHAUSEN DISEASE. Identifiers: Orphanet 636, MedGen C0027831, MONDO:0018975, OMIM 162200. Disease mechanism: loss of function.

Submission:

Labcorp Genetics (formerly Invitae), Labcorp
Classification: Uncertain significance for Neurofibromatosis, type 1. Last evaluated: 2025-06-16. Review status: criteria provided, single submitter. Criteria: Invitae Variant Classification Sherloc (09022015). Collection method: clinical testing. Allele origin: germline.
Comment: This sequence change replaces glycine, which is neutral and non-polar, with tryptophan, which is neutral and slightly polar, at codon 1581 of the NF1 protein (p.Gly1581Trp). This variant is not present in population databases (gnomAD no frequency). This variant has not been reported in the literature in individuals affected with NF1-related conditions. Invitae Evidence Modeling of protein sequence and biophysical properties (such as structural, functional, and spatial information, amino acid conservation, physicochemical variation, residue mobility, and thermodynamic stability) indicates that this missense variant is expected to disrupt NF1 protein function with a positive predictive value of 95%. In summary, the available evidence is currently insufficient to determine the role of this variant in disease. Therefore, it has been classified as a Variant of Uncertain Significance.